The following is an entry in ClinVar:

ClinVar aggregate classification (germline): Uncertain significance. Review status: criteria provided, multiple submitters, no conflicts (2 of 4 stars). 3 submissions from 3 submitters: Uncertain significance (3). Last evaluated 2025-09-29.

Conditions:
C3-related disorder. Also called: C3-related condition.
Age related macular degeneration 9. Identifiers: MedGen C1969651, MONDO:0012659, OMIM 611378.
Atypical hemolytic-uremic syndrome with C3 anomaly. Also called: AHUS, SUSCEPTIBILITY TO, 5. Identifiers: Orphanet 2134, MedGen C2752037, MONDO:0013043, OMIM 612925.
Complement component 3 deficiency. Identifiers: Orphanet 280133, MedGen C3151071, MONDO:0013417, OMIM 613779.

Allele frequency attached by ClinVar (database versions not stated): gnomAD 0.00002; TOPMed 0.00002.
gnomAD v4.1: 3 of 1,613,960 alleles (0.00019%); highest among the groups gnomAD compares: African/African-American, 0.004%; no homozygotes.

Submissions (3):

Labcorp Genetics (formerly Invitae), Labcorp
Classification: Uncertain significance. Last evaluated: 2025-09-29. Review status: criteria provided, single submitter. Criteria: Invitae Variant Classification Sherloc (09022015). Collection method: clinical testing. Allele origin: germline.
Comment: This sequence change replaces alanine, which is neutral and non-polar, with threonine, which is neutral and polar, at codon 341 of the C3 protein (p.Ala341Thr). This variant is present in population databases (no rsID available, gnomAD 0.02%). This variant has not been reported in the literature in individuals affected with C3-related conditions. ClinVar contains an entry for this variant (Variation ID: 2636318). Invitae Evidence Modeling of protein sequence and biophysical properties (such as structural, functional, and spatial information, amino acid conservation, physicochemical variation, residue mobility, and thermodynamic stability) indicates that this missense variant is not expected to disrupt C3 protein function with a negative predictive value of 80%. In summary, the available evidence is currently insufficient to determine the role of this variant in disease. Therefore, it has been classified as a Variant of Uncertain Significance.

Fulgent Genetics
Classification: Uncertain significance for Age related macular degeneration 9; Atypical hemolytic-uremic syndrome with C3 anomaly; Complement component 3 deficiency. Last evaluated: 2024-04-19. Review status: criteria provided, single submitter. Criteria: ACMG Guidelines, 2015. Collection method: clinical testing. Allele origin: germline.

PreventionGenetics, part of Exact Sciences
Classification: Uncertain significance for C3-related condition. Last evaluated: 2022-09-10. Review status: criteria provided, single submitter. Criteria: ACMG Guidelines, 2015. Collection method: clinical testing. Allele origin: germline.
Comment: The C3 c.1021G>A variant is predicted to result in the amino acid substitution p.Ala341Thr. To our knowledge, this variant has not been reported in the literature. This variant is reported in 0.023% of alleles in individuals of African descent in gnomAD. At this time, the clinical significance of this variant is uncertain due to the absence of conclusive functional and genetic evidence.

NM_000064.4(C3):c.1021G>A (p.Ala341Thr)

Gene: C3 (complement C3; minus strand). Cytogenetic location: 19p13.3.
Variant type: single nucleotide variant.
Coding change: c.1021G>A on transcript NM_000064.4 (MANE Select); coding-DNA position 1021, G replaced by A.
Protein change: p.Ala341Thr; replaces alanine 341 with threonine.
Molecular consequence: missense variant.
Genome position (GRCh38, 1-based): chr19:6,712,606, C>T on the plus strand (G>A on the coding strand, the complement: C3 is on the minus strand). VCF-style: chr19-6712606-C-T. GRCh37 (hg19) VCF-style: chr19-6712617-C-T.
Other names: short protein forms A341T.
Identifiers: ClinVar variation 2636318 (VCV002636318.3), dbSNP rs1409684160, ClinGen allele CA403641810.